The following is an entry in ClinVar:

NM_020937.4(FANCM):c.5803A>T (p.Ser1935Cys)

Gene: FANCM (FA complementation group M; plus strand). Cytogenetic location: 14q21.2.
Variant type: single nucleotide variant.
Coding change: c.5803A>T on transcript NM_020937.4 (MANE Select); coding-DNA position 5803, A replaced by T.
Protein change: p.Ser1935Cys; replaces serine 1935 with cysteine.
Molecular consequence: missense variant.
Genome position (GRCh38, 1-based): chr14:45,198,730, A>T. VCF-style: chr14-45198730-A-T. GRCh37 (hg19) VCF-style: chr14-45667933-A-T.
Other names: c.5725A>T, p.Ser1909Cys (NM_001308133.2); short protein forms S1935C, S1909C.
Identifiers: ClinVar variation 4022702 (VCV004022702.2).

ClinVar aggregate classification (germline): Uncertain significance. Review status: criteria provided, multiple submitters, no conflicts (2 of 4 stars). 2 submissions from 2 submitters: Uncertain significance (2). Last evaluated 2025-10-09.

Conditions:
Fanconi anemia (FA). Also called: Fanconi's anemia. Identifiers: Orphanet 84, MedGen C0015625, MeSH D005199, MONDO:0019391.
Inborn genetic diseases. Identifiers: MedGen C0950123, MeSH D030342.

gnomAD v4.1: 1 of 1,614,028 alleles (0.000062%); highest among the groups gnomAD compares: Non-Finnish European, 0.000085%; no homozygotes.

Submissions (2):

Labcorp Genetics (formerly Invitae), Labcorp
Classification: Uncertain significance for Fanconi anemia. Last evaluated: 2025-10-09. Review status: criteria provided, single submitter. Criteria: Invitae Variant Classification Sherloc (09022015). Collection method: clinical testing. Allele origin: germline.
Comment: This sequence change replaces serine, which is neutral and polar, with cysteine, which is neutral and slightly polar, at codon 1935 of the FANCM protein (p.Ser1935Cys). This variant is not present in population databases (gnomAD no frequency). This variant has not been reported in the literature in individuals affected with FANCM-related conditions. ClinVar contains an entry for this variant (Variation ID: 4022702). An algorithm developed to predict the effect of missense changes on protein structure and function (PolyPhen-2) suggests that this variant is likely to be disruptive. In summary, the available evidence is currently insufficient to determine the role of this variant in disease. Therefore, it has been classified as a Variant of Uncertain Significance.

Ambry Genetics
Classification: Uncertain significance for Inborn genetic diseases. Last evaluated: 2025-04-18. Review status: criteria provided, single submitter. Criteria: Ambry Variant Classification Scheme 2023. Collection method: clinical testing. Allele origin: germline.
Comment: The p.S1935C variant (also known as c.5803A>T), located in coding exon 22 of the FANCM gene, results from an A to T substitution at nucleotide position 5803. The serine at codon 1935 is replaced by cysteine, an amino acid with dissimilar properties. This amino acid position is conserved. In addition, the in silico prediction for this alteration is inconclusive. Based on the available evidence, the clinical significance of this variant remains unclear.